The following is an entry in ClinVar:

ClinVar aggregate classification (germline): Pathogenic. Review status: criteria provided, multiple submitters, no conflicts (2 of 4 stars). 4 submissions from 4 submitters: Pathogenic (3). 1 of the submissions does not count toward it. Last evaluated 2023-05-09.

Conditions:
Hereditary cancer-predisposing syndrome. Also called: Hereditary Cancer Syndrome; Neoplastic Syndromes, Hereditary; Hereditary neoplastic syndrome; Tumor predisposition. Identifiers: Orphanet 140162, MedGen C0027672, MeSH D009386, MONDO:0015356.
Familial adenomatous polyposis 1 (FAP1). Also called: FAMILIAL ADENOMATOUS POLYPOSIS 1, ATTENUATED; POLYPOSIS, ADENOMATOUS INTESTINAL. Identifiers: MedGen C2713442, MONDO:0021056, OMIM 175100. Disease mechanism: loss of function.

Submissions (4):

Myriad Genetics, Inc.
Classification: Pathogenic for Familial adenomatous polyposis 1. Last evaluated: 2023-05-09. Review status: criteria provided, single submitter. Criteria: Myriad Autosomal Dominant, Autosomal Recessive and X-Linked Classification Criteria (2023). Collection method: clinical testing. Allele origin: unknown.
Comment: This variant is considered pathogenic. This variant creates a termination codon and is predicted to result in premature protein truncation.

Ambry Genetics
Classification: Pathogenic for Hereditary cancer-predisposing syndrome. Last evaluated: 2022-10-21. Review status: criteria provided, single submitter. Criteria: Ambry Variant Classification Scheme 2023. Collection method: clinical testing. Allele origin: germline.
Comment: The p.Q1191* pathogenic mutation (also known as c.3571C>T), located in coding exon 15 of the APC gene, results from a C to T substitution at nucleotide position 3571. This changes the amino acid from a glutamine to a stop codon within coding exon 15. This alteration has been observed in at least one individual with a personal and/or family history that is consistent with APC-related disease (Ambry internal data). This alteration occurs at the 3' terminus of theAPC gene, is not expected to trigger nonsense-mediated mRNA decay, and impacts the last 58% of the protein. However, premature stop codons are typically deleterious in nature and a significant portion of the protein is affected (Ambry internal data). This variant is considered to be rare based on population cohorts in the Genome Aggregation Database (gnomAD). Based on the supporting evidence, this alteration is interpreted as a disease-causing mutation.

Labcorp Genetics (formerly Invitae), Labcorp
Classification: Pathogenic for Familial adenomatous polyposis 1. Last evaluated: 2022-07-17. Review status: criteria provided, single submitter. Criteria: Invitae Variant Classification Sherloc (09022015). Collection method: clinical testing. Allele origin: germline.
Comment: For these reasons, this variant has been classified as Pathogenic. A different truncation (p.Tyr2645Lysfs*14) that lies downstream of this variant has been determined to be pathogenic (PMID: 9824584, 1316610, 27081525, 8381579, 22135120, Invitae). This suggests that deletion of this region of the APC protein is causative of disease. This variant is expected to disrupt the EB1 and HDLG binding sites, which mediate interactions with the cytoskeleton (PMID: 15311282, 17293347). While functional studies have not been performed to directly test the effect on APC protein function, this suggests that disruption of the C-terminal portion of the protein is functionally important. ClinVar contains an entry for this variant (Variation ID: 428096). This variant has not been reported in the literature in individuals affected with APC-related conditions. This variant is not present in population databases (gnomAD no frequency). This sequence change creates a premature translational stop signal (p.Gln1191*) in the APC gene. While this is not anticipated to result in nonsense mediated decay, it is expected to disrupt the last 1653 amino acid(s) of the APC protein.

Mayo Clinic Laboratories, Mayo Clinic
Classification: Pathogenic. Review status: no assertion criteria provided. Collection method: clinical testing. Allele origin: unknown. Not counted in ClinVar's aggregate classification.

Literature cited by the submitters: PubMed 9824584 (cited by Labcorp Genetics (formerly Invitae), Labcorp); PubMed 1316610 (cited by Labcorp Genetics (formerly Invitae), Labcorp); PubMed 27081525 (cited by Labcorp Genetics (formerly Invitae), Labcorp); PubMed 8381579 (cited by Labcorp Genetics (formerly Invitae), Labcorp); PubMed 22135120 (cited by Labcorp Genetics (formerly Invitae), Labcorp); PubMed 15311282 (cited by Labcorp Genetics (formerly Invitae), Labcorp); PubMed 17293347 (cited by Labcorp Genetics (formerly Invitae), Labcorp).

NM_000038.6(APC):c.3571C>T (p.Gln1191Ter)

Gene: APC (APC regulator of Wnt signaling pathway; plus strand). Cytogenetic location: 5q22.2.
Variant type: single nucleotide variant.
Coding change: c.3571C>T on transcript NM_000038.6 (MANE Select); coding-DNA position 3571, C replaced by T.
Protein change: p.Gln1191Ter; replaces glutamine 1191 with a stop codon.
Molecular consequence: nonsense.
Genome position (GRCh38, 1-based): chr5:112,839,165, C>T. VCF-style: chr5-112839165-C-T. GRCh37 (hg19) VCF-style: chr5-112174862-C-T.
Other names: c.3571C>T, p.Gln1191Ter (NM_001127510.3, NM_001354895.2); c.3517C>T, p.Gln1173Ter (NM_001127511.3); c.3625C>T, p.Gln1209Ter (NM_001354896.2); c.3601C>T, p.Gln1201Ter (NM_001354897.2); c.3496C>T, p.Gln1166Ter (NM_001354898.2); c.3487C>T, p.Gln1163Ter (NM_001354899.2); c.3448C>T, p.Gln1150Ter (NM_001354900.2); c.3394C>T, p.Gln1132Ter (NM_001354901.2); and 5 more; short protein forms Q1173*, Q1191*, Q1065*, Q1132*, Q1201*, Q1166*, Q1209*, Q1031*.
Identifiers: ClinVar variation 428096 (VCV000428096.21), dbSNP rs1114167547, ClinGen allele CA16029176.